The following is an entry in ClinVar:

ClinVar aggregate classification (germline): Uncertain significance (1 of 4 stars; one submission).

Conditions:
Charcot-Marie-Tooth disease type 2. Also called: Charcot-Marie-Tooth type 2. Identifiers: Orphanet 64746, MedGen C0270914, MONDO:0018993.

gnomAD v4.1: 19 of 1,614,024 alleles (0.0012%); highest among the groups gnomAD compares: Admixed American, 0.0033%; no homozygotes.

Submission:

Labcorp Genetics (formerly Invitae), Labcorp
Classification: Uncertain significance for Charcot-Marie-Tooth disease type 2. Last evaluated: 2023-07-08. Review status: criteria provided, single submitter. Criteria: Invitae Variant Classification Sherloc (09022015). Collection method: clinical testing. Allele origin: germline.
Comment: In summary, the available evidence is currently insufficient to determine the role of this variant in disease. Therefore, it has been classified as a Variant of Uncertain Significance. Advanced modeling of protein sequence and biophysical properties (such as structural, functional, and spatial information, amino acid conservation, physicochemical variation, residue mobility, and thermodynamic stability) performed at Invitae indicates that this missense variant is not expected to disrupt GARS protein function. This missense change has been observed in individual(s) with Charcot-Marie-Tooth disease (PMID: 32376792). This variant is present in population databases (rs199832199, gnomAD 0.006%). This sequence change replaces arginine, which is basic and polar, with leucine, which is neutral and non-polar, at codon 391 of the GARS protein (p.Arg391Leu).

Literature cited by the submitters: PubMed 32376792.

NM_002047.4(GARS1):c.1172G>T (p.Arg391Leu)

Gene: GARS1 (glycyl-tRNA synthetase 1; plus strand). Cytogenetic location: 7p14.3.
Variant type: single nucleotide variant.
Coding change: c.1172G>T on transcript NM_002047.4 (MANE Select); coding-DNA position 1172, G replaced by T.
Protein change: p.Arg391Leu; replaces arginine 391 with leucine.
Molecular consequence: missense variant.
Genome position (GRCh38, 1-based): chr7:30,616,036, G>T. VCF-style: chr7-30616036-G-T. GRCh37 (hg19) VCF-style: chr7-30655652-G-T.
Other names: c.1010G>T, p.Arg337Leu (NM_001316772.1); short protein forms R337L, R391L.
Identifiers: ClinVar variation 2874592 (VCV002874592.3), dbSNP rs199832199, ClinGen allele CA4205911.